The following is an entry in ClinVar:

NM_007175.8(ERLIN2):c.918G>A (p.Met306Ile)

Gene: ERLIN2 (ER lipid raft associated 2; plus strand). Cytogenetic location: 8p11.23.
Variant type: single nucleotide variant.
Coding change: c.918G>A on transcript NM_007175.8 (MANE Select); coding-DNA position 918, G replaced by A.
Protein change: p.Met306Ile; replaces methionine 306 with isoleucine.
Molecular consequence: missense variant.
Genome position (GRCh38, 1-based): chr8:37,754,013, G>A. VCF-style: chr8-37754013-G-A. GRCh37 (hg19) VCF-style: chr8-37611531-G-A.
Other names: c.918G>A, p.Met306Ile (NM_001362878.2); short protein forms M306I.
Identifiers: ClinVar variation 2895673 (VCV002895673.3), dbSNP rs1381721421, ClinGen allele CA370662695.

ClinVar aggregate classification (germline): Uncertain significance (1 of 4 stars; one submission).

Conditions:
Spastic paraplegia. Identifiers: MedGen C0037772, HP:0001258.

Allele frequency attached by ClinVar (database versions not stated): gnomAD exomes below 0.00001.

Submission:

Labcorp Genetics (formerly Invitae), Labcorp
Classification: Uncertain significance for Spastic paraplegia. Last evaluated: 2024-12-02. Review status: criteria provided, single submitter. Criteria: Invitae Variant Classification Sherloc (09022015). Collection method: clinical testing. Allele origin: germline.
Comment: This sequence change replaces methionine, which is neutral and non-polar, with isoleucine, which is neutral and non-polar, at codon 306 of the ERLIN2 protein (p.Met306Ile). This variant is present in population databases (no rsID available, gnomAD 0.0009%). This variant has not been reported in the literature in individuals affected with ERLIN2-related conditions. ClinVar contains an entry for this variant (Variation ID: 2895673). Invitae Evidence Modeling of protein sequence and biophysical properties (such as structural, functional, and spatial information, amino acid conservation, physicochemical variation, residue mobility, and thermodynamic stability) indicates that this missense variant is not expected to disrupt ERLIN2 protein function with a negative predictive value of 80%. In summary, the available evidence is currently insufficient to determine the role of this variant in disease. Therefore, it has been classified as a Variant of Uncertain Significance.